The following is an entry in ClinVar:

NM_014889.4(PITRM1):c.1559C>G (p.Thr520Arg)

Gene: PITRM1 (pitrilysin metallopeptidase 1; minus strand). Cytogenetic location: 10p15.2.
Variant type: single nucleotide variant.
Coding change: c.1559C>G on transcript NM_014889.4 (MANE Select); coding-DNA position 1559, C replaced by G.
Protein change: p.Thr520Arg; replaces threonine 520 with arginine.
Molecular consequence: missense variant. On other transcripts: non-coding transcript variant (4).
Genome position (GRCh38, 1-based): chr10:3,155,653, G>C on the plus strand (C>G on the coding strand, the complement: PITRM1 is on the minus strand). VCF-style: chr10-3155653-G-C. GRCh37 (hg19) VCF-style: chr10-3197845-G-C.
Other names: c.254C>G, p.Thr85Arg (NM_001347728.2); c.1535C>G, p.Thr512Arg (NM_001347729.1, NM_001347730.1); c.1559C>G, p.Thr520Arg (NM_001242307.2, NM_001347725.2); c.1463C>G, p.Thr488Arg (NM_001242309.1); c.944C>G, p.Thr315Arg (NM_001347726.2, NM_001347727.2); short protein forms T315R, T512R, T520R, T85R, T488R.
Identifiers: ClinVar variation 3674858 (VCV003674858.2).

ClinVar aggregate classification (germline): Uncertain significance (1 of 4 stars; one submission).

gnomAD v4.1: 1 of 1,613,800 alleles (0.000062%); highest among the groups gnomAD compares: Non-Finnish European, 0.000085%; no homozygotes.

Submission:

Labcorp Genetics (formerly Invitae), Labcorp
Classification: Uncertain significance. Last evaluated: 2024-07-10. Review status: criteria provided, single submitter. Criteria: Invitae Variant Classification Sherloc (09022015). Collection method: clinical testing. Allele origin: germline.
Comment: This sequence change replaces threonine, which is neutral and polar, with arginine, which is basic and polar, at codon 488 of the PITRM1 protein (p.Thr488Arg). This variant is not present in population databases (gnomAD no frequency). This variant has not been reported in the literature in individuals affected with PITRM1-related conditions. An algorithm developed to predict the effect of missense changes on protein structure and function (PolyPhen-2) suggests that this variant is likely to be tolerated. In summary, the available evidence is currently insufficient to determine the role of this variant in disease. Therefore, it has been classified as a Variant of Uncertain Significance.